The following is an entry in ClinVar:

ClinVar aggregate classification (germline): Benign (1 of 4 stars; one submission).

Allele frequency attached by ClinVar (database versions not stated): 1000 Genomes Project 30x 0.30434; gnomAD 0.40807.

Submission:

GeneDx
Classification: Benign. Last evaluated: 2018-06-18. Review status: criteria provided, single submitter. Criteria: GeneDx Variant Classification (06012015). Collection method: clinical testing. Allele origin: germline. Affected: yes.
Comment: This variant is considered likely benign or benign based on one or more of the following criteria: it is a conservative change, it occurs at a poorly conserved position in the protein, it is predicted to be benign by multiple in silico algorithms, and/or has population frequency not consistent with disease.

NM_002860.4(ALDH18A1):c.1923+305_1923+306insT

Genes: ALDH18A1 (aldehyde dehydrogenase 18 family member A1; minus strand), LOC121815958 (Sharpr-MPRA regulatory region 3716; plus strand). Cytogenetic location: 10q24.1.
Variant type: Insertion.
Coding change: c.1923+305_1923+306insT on transcript NM_002860.4 (MANE Select); bases 305 to 306 of the intron after coding-DNA position 1923, T inserted.
Molecular consequence: intron variant.
Genome position: GRCh38 VCF-style: chr10-95613436-G-GA. GRCh37 (hg19) VCF-style: chr10-97373193-G-GA.
Other names: c.1287+305_1287+306insT (NM_001323419.2); c.1590+305_1590+306insT (NM_001323412.2, NM_001323416.2); c.1818+305_1818+306insT (NM_001323417.2); c.1917+305_1917+306insT (NM_001017423.2, NM_001323415.2); c.1584+305_1584+306insT (NM_001323418.2); c.1923+305_1923+306insT (NM_001323413.2, NM_001323414.2).
Identifiers: ClinVar variation 683043 (VCV000683043.1), dbSNP rs201936822, ClinGen allele CA211788582.